The following is an entry in ClinVar:

ClinVar aggregate classification (germline): Uncertain significance. Review status: criteria provided, multiple submitters, no conflicts (2 of 4 stars). 2 submissions from 2 submitters: Uncertain significance (2). Last evaluated 2025-12-03.

Conditions:
Inborn genetic diseases. Identifiers: MedGen C0950123, MeSH D030342.

Allele frequency attached by ClinVar (database versions not stated): gnomAD exomes 0.00003; ExAC 0.00001; gnomAD 0.00002; TOPMed 0.00002.
gnomAD v4.1: 49 of 1,613,460 alleles (0.003%); highest among the groups gnomAD compares: East Asian, 0.0067%; no homozygotes.

Submissions (2):

Labcorp Genetics (formerly Invitae), Labcorp
Classification: Uncertain significance. Last evaluated: 2025-12-03. Review status: criteria provided, single submitter. Criteria: Invitae Variant Classification Sherloc (09022015). Collection method: clinical testing. Allele origin: germline.
Comment: This sequence change replaces arginine, which is basic and polar, with cysteine, which is neutral and slightly polar, at codon 899 of the LEMD3 protein (p.Arg899Cys). This variant is present in population databases (rs201280850, gnomAD 0.01%). This variant has not been reported in the literature in individuals affected with LEMD3-related conditions. ClinVar contains an entry for this variant (Variation ID: 2407084). An algorithm developed to predict the effect of missense changes on protein structure and function (PolyPhen-2) suggests that this variant is likely to be disruptive. In summary, the available evidence is currently insufficient to determine the role of this variant in disease. Therefore, it has been classified as a Variant of Uncertain Significance.

Ambry Genetics
Classification: Uncertain significance for Inborn genetic diseases. Last evaluated: 2022-04-14. Review status: criteria provided, single submitter. Criteria: Ambry Variant Classification Scheme 2023. Collection method: clinical testing. Allele origin: germline.

NM_014319.5(LEMD3):c.2695C>T (p.Arg899Cys)

Gene: LEMD3 (LEM domain containing 3; plus strand). Cytogenetic location: 12q14.3.
Variant type: single nucleotide variant.
Coding change: c.2695C>T on transcript NM_014319.5 (MANE Select); coding-DNA position 2695, C replaced by T.
Protein change: p.Arg899Cys; replaces arginine 899 with cysteine.
Molecular consequence: missense variant.
Genome position (GRCh38, 1-based): chr12:65,246,284, C>T. VCF-style: chr12-65246284-C-T. GRCh37 (hg19) VCF-style: chr12-65640064-C-T.
Other names: c.2692C>T, p.Arg898Cys (NM_001167614.2); short protein forms R898C, R899C.
Identifiers: ClinVar variation 2407084 (VCV002407084.5), dbSNP rs201280850, ClinGen allele CA6671282.